The following is an entry in ClinVar:

NM_003000.3(SDHB):c.208C>G (p.Pro70Ala)

Gene: SDHB (succinate dehydrogenase complex iron sulfur subunit B; minus strand). Cytogenetic location: 1p36.13.
Variant type: single nucleotide variant.
Coding change: c.208C>G on transcript NM_003000.3 (MANE Select); coding-DNA position 208, C replaced by G.
Protein change: p.Pro70Ala; replaces proline 70 with alanine.
Molecular consequence: missense variant.
Genome position (GRCh38, 1-based): chr1:17,033,138, G>C on the plus strand (C>G on the coding strand, the complement: SDHB is on the minus strand). VCF-style: chr1-17033138-G-C. GRCh37 (hg19) VCF-style: chr1-17359633-G-C.
Other names: c.208C>G (NM_003000.2); short protein forms P70A.
Identifiers: ClinVar variation 1387551 (VCV001387551.9), dbSNP rs200890320, ClinGen allele CA338276632.

ClinVar aggregate classification (germline): Uncertain significance. Review status: criteria provided, multiple submitters, no conflicts (2 of 4 stars). 2 submissions from 2 submitters: Uncertain significance (2). Last evaluated 2026-06-15.

Conditions:
Hereditary cancer-predisposing syndrome. Also called: Hereditary Cancer Syndrome; Neoplastic Syndromes, Hereditary; Hereditary neoplastic syndrome; Tumor predisposition. Identifiers: Orphanet 140162, MedGen C0027672, MeSH D009386, MONDO:0015356.
Pheochromocytoma/paraganglioma syndrome 4. Also called: PARAGANGLIOMA, FAMILIAL MALIGNANT; PARAGANGLIOMAS, HEREDITARY EXTRAADRENAL; PHEOCHROMOCYTOMA, FAMILIAL EXTRAADRENAL; Paragangliomas 4; SDHB-Related Hereditary Paraganglioma-Pheochromocytoma Syndrome (Paragangliomas 4); SDHB-Related Hereditary Paraganglioma-Pheochromocytoma Syndrome. Identifiers: Orphanet 29072, MedGen C1861848, MONDO:0007273, OMIM 115310.
Gastrointestinal stromal tumor. Also called: Gastrointestinal stromal tumor, somatic; Gastrointestinal stroma tumor. Identifiers: Orphanet 44890, MedGen C0238198, MeSH D046152, MONDO:0011719, OMIM 606764, HP:0100723.
Pheochromocytoma. Also called: MAX-Related Hereditary Paraganglioma-Pheochromocytoma Syndrome. Identifiers: Orphanet 29072, MedGen C0031511, MONDO:0008233, OMIM 171300, HP:0002666.

Submissions (2):

Ambry Genetics
Classification: Uncertain significance for Hereditary cancer-predisposing syndrome. Last evaluated: 2026-06-15. Review status: criteria provided, single submitter. Criteria: Ambry Variant Classification Scheme 2023. Collection method: clinical testing. Allele origin: germline.
Comment: The p.P70A variant (also known as c.208C>G), located in coding exon 3 of the SDHB gene, results from a C to G substitution at nucleotide position 208. The proline at codon 70 is replaced by alanine, an amino acid with highly similar properties. This amino acid position is conserved. In addition, this alteration is predicted to be deleterious by in silico analysis. Based on the available evidence, the clinical significance of this variant remains unclear.

Labcorp Genetics (formerly Invitae), Labcorp
Classification: Uncertain significance for Gastrointestinal stromal tumor; Pheochromocytoma/paraganglioma syndrome 4; Pheochromocytoma. Last evaluated: 2022-09-17. Review status: criteria provided, single submitter. Criteria: Invitae Variant Classification Sherloc (09022015). Collection method: clinical testing. Allele origin: germline.
Comment: In summary, the available evidence is currently insufficient to determine the role of this variant in disease. Therefore, it has been classified as a Variant of Uncertain Significance. Advanced modeling of protein sequence and biophysical properties (such as structural, functional, and spatial information, amino acid conservation, physicochemical variation, residue mobility, and thermodynamic stability) performed at Invitae indicates that this missense variant is not expected to disrupt SDHB protein function. ClinVar contains an entry for this variant (Variation ID: 1387551). This variant has not been reported in the literature in individuals affected with SDHB-related conditions. This variant is not present in population databases (gnomAD no frequency). This sequence change replaces proline, which is neutral and non-polar, with alanine, which is neutral and non-polar, at codon 70 of the SDHB protein (p.Pro70Ala).